The following is an entry in ClinVar:

ClinVar aggregate classification (germline): Uncertain significance (1 of 4 stars; one submission).

Conditions:
Oligodontia-cancer predisposition syndrome. Also called: TOOTH AGENESIS-COLORECTAL CANCER SYNDROME. Identifiers: Orphanet 300576, MedGen C1837750, MONDO:0012075, OMIM 608615. Disease mechanism: loss of function.

Submission:

Labcorp Genetics (formerly Invitae), Labcorp
Classification: Uncertain significance for Oligodontia-cancer predisposition syndrome. Last evaluated: 2023-07-19. Review status: criteria provided, single submitter. Criteria: Invitae Variant Classification Sherloc (09022015). Collection method: clinical testing. Allele origin: germline.
Comment: This variant is not present in population databases (gnomAD no frequency). This sequence change replaces serine, which is neutral and polar, with phenylalanine, which is neutral and non-polar, at codon 559 of the AXIN2 protein (p.Ser559Phe). This variant has not been reported in the literature in individuals affected with AXIN2-related conditions. In summary, the available evidence is currently insufficient to determine the role of this variant in disease. Therefore, it has been classified as a Variant of Uncertain Significance. Advanced modeling of protein sequence and biophysical properties (such as structural, functional, and spatial information, amino acid conservation, physicochemical variation, residue mobility, and thermodynamic stability) performed at Invitae indicates that this missense variant is not expected to disrupt AXIN2 protein function.

NM_004655.4(AXIN2):c.1676C>T (p.Ser559Phe)

Gene: AXIN2 (axin 2; minus strand). Cytogenetic location: 17q24.1.
Variant type: single nucleotide variant.
Coding change: c.1676C>T on transcript NM_004655.4 (MANE Select); coding-DNA position 1676, C replaced by T.
Protein change: p.Ser559Phe; replaces serine 559 with phenylalanine.
Molecular consequence: missense variant.
Genome position (GRCh38, 1-based): chr17:65,537,360, G>A on the plus strand (C>T on the coding strand, the complement: AXIN2 is on the minus strand). VCF-style: chr17-65537360-G-A. GRCh37 (hg19) VCF-style: chr17-63533478-G-A.
Other names: c.1676C>T, p.Ser559Phe (NM_001363813.1); short protein forms S559F.
Identifiers: ClinVar variation 2744869 (VCV002744869.3), dbSNP rs1060502126, ClinGen allele CA400676857.
Genomic context (GRCh38, chr17:65,537,360, plus strand): 5'-CACTGCGGTCCGCCCGGCACTTACCCAAACTGCTCGCTGGGCATGGTTTCCGGAGCCTTG[G>A]AGTGGCTTTTGCATTTCGAGTAGCAGTAATACTCGCTGCCCCCAGGGCAGAAGCAGTGCA-3'
Protein context (NP_004646.3, residues 549-569): YYCYSKCKSH[Ser559Phe]KAPETMPSEQ